The following is an entry in ClinVar:

ClinVar aggregate classification (germline): Likely benign. Review status: reviewed by expert panel (3 of 4 stars). 4 submissions from 4 submitters: Likely benign (1). 3 of the submissions do not count toward it. Last evaluated 2023-12-06.

Conditions:
Inborn genetic diseases. Identifiers: MedGen C0950123, MeSH D030342.
Angelman syndrome (AS). Also called: HAPPY PUPPET SYNDROME. Identifiers: Orphanet 72, MedGen C0162635, MONDO:0007113, OMIM 105830. Disease mechanism: loss of function. Inheritance: AS is caused by disruption of maternally imprinted UBE3A located within the 15q11.2-q13 Angelman syndrome/Prader-Willi syndrome (AS/PWS) region., imprinting disorder.

Allele frequency attached by ClinVar (database versions not stated): gnomAD 0.00001; gnomAD exomes 0.00001; TOPMed 0.00001.
gnomAD v4.1: 12 of 1,613,790 alleles (0.00074%); highest among the groups gnomAD compares: Admixed American, 0.005%; no homozygotes.

Submissions (4):

ClinGen Rett and Angelman-like Disorders Variant Curation Expert Panel
Classification: Likely benign for Angelman syndrome. Last evaluated: 2023-12-06. Review status: reviewed by expert panel. Criteria: ClinGen RettAS ACMG Specifications UBE3A V4.0.0. Collection method: curation. Allele origin: germline. Inheritance: Autosomal dominant inheritance.
Comment: The p.Asp607= variant in UBE3A (NM_130838.2) is present in 6 XX and 6 XY individual(s) in gnomAD v4 (0.005%) (not sufficient to meet BS1 criteria). The p.Asp607= variant is observed in at least 4 unaffected individuals (internal database - GeneDx) (BS2). The silent p.Asp627= variant is not predicted to affect splicing using multiple computational tools and does not affect a highly conserved nucleotide (BP7). In summary, the p.Asp607= variant in UBE3A (NM_130838.2) is classified as likely benign based on the ACMG/AMP criteria (BS2, BP7).

Labcorp Genetics (formerly Invitae), Labcorp
Classification: Likely benign for Angelman syndrome. Last evaluated: 2024-08-07. Review status: criteria provided, single submitter. Criteria: Invitae Variant Classification Sherloc (09022015). Collection method: clinical testing. Allele origin: germline. Not counted in ClinVar's aggregate classification.

Ambry Genetics
Classification: Likely benign for Inborn genetic diseases. Last evaluated: 2019-03-29. Review status: criteria provided, single submitter. Criteria: Ambry Variant Classification Scheme 2023. Collection method: clinical testing. Allele origin: germline. Not counted in ClinVar's aggregate classification.

Genetic Services Laboratory, University of Chicago
Classification: Uncertain significance for Angelman syndrome. Last evaluated: 2013-02-08. Review status: criteria provided, single submitter. Criteria: ACMG Guidelines, 2007. Collection method: clinical testing. Allele origin: germline. Inheritance: Autosomal dominant inheritance. Not counted in ClinVar's aggregate classification.

NM_130839.5(UBE3A):c.1881T>C (p.Asp627=)

Genes: SNHG14 (small nucleolar RNA host gene 14; plus strand), UBE3A (ubiquitin protein ligase E3A; minus strand). Cytogenetic location: 15q11.2.
Variant type: single nucleotide variant.
Coding change: c.1881T>C on transcript NM_130839.5 (MANE Select); coding-DNA position 1881, T replaced by C.
Protein change: p.Asp627=; no amino-acid change (aspartic acid 627 retained).
Molecular consequence: synonymous variant. On other transcripts: non-coding transcript variant (1).
Genome position (GRCh38, 1-based): chr15:25,356,769, A>G on the plus strand (T>C on the coding strand, the complement: UBE3A is on the minus strand). VCF-style: chr15-25356769-A-G. GRCh37 (hg19) VCF-style: chr15-25601916-A-G.
Other names: NM_130839.5(UBE3A):c.1881T>C; p.Asp627=; c.1821T>C, p.Asp607= (NM_001374461.1, NM_130838.4, NM_001354506.2 and 17 more transcripts); c.1890T>C, p.Asp630= (NM_000462.5); c.1881T>C, p.Asp627= (NM_001354505.1, NM_001354538.2, NM_001354545.2); c.1704T>C, p.Asp568= (NM_001354546.2); c.630T>C, p.Asp210= (NM_001354550.2); c.570T>C, p.Asp190= (NM_001354551.2).
Identifiers: ClinVar variation 160215 (VCV000160215.18), dbSNP rs587784522, ClinGen allele CA333546.
Genomic context (GRCh38, chr15:25,356,769, plus strand): 5'-GTCACGAAAAGTTCCTTTTTTCCCCATTAGCTTCCTGTAGACAACCATGGGAAAATGTAC[A>G]TCCAGTATACAGTTATTGTAAATAGCCAGACCCAGTACTATGCCAATCAGAGTAAACTGA-3'
Protein context (NP_570854.1, residues 617-637): GLAIYNNCIL[Asp627=]VHFPMVVYRK